The following is an entry in ClinVar:

NM_001927.4(DES):c.1023+5G>C

Gene: DES (desmin; plus strand). Cytogenetic location: 2q35.
Variant type: single nucleotide variant.
Coding change: c.1023+5G>C on transcript NM_001927.4 (MANE Select); 5 bases into the intron after coding-DNA position 1023, G replaced by C.
Molecular consequence: intron variant.
Genome position (GRCh38, 1-based): chr2:219,420,958, G>C. VCF-style: chr2-219420958-G-C. GRCh37 (hg19) VCF-style: chr2-220285680-G-C.
Other names: c.1023+5G>C (NM_001382712.1, NM_001382711.1, NM_001382710.1); c.736-526G>C (NM_001382709.1); c.1020+5G>C (NM_001382708.1); c.753+5G>C (NM_001382713.1).
Identifiers: ClinVar variation 1708952 (VCV001708952.2), dbSNP rs775424478, ClinGen allele CA65983102.

ClinVar aggregate classification (germline): Uncertain significance (1 of 4 stars; one submission).

Conditions:
Desmin-related myofibrillar myopathy (MFM1). Also called: Desmin related myopathy (former name); Desmin storage myopathy (former name); Myofibrillar myopathy 1; Desminopathy; MYOFIBRILLAR MYOPATHY WITH ARRHYTHMOGENIC RIGHT VENTRICULAR CARDIOMYOPATHY; DESMIN-RELATED MYOPATHY WITH ARRHYTHMOGENIC RIGHT VENTRICULAR CARDIOMYOPATHY. Identifiers: Orphanet 363543, Orphanet 98909, MedGen C1832370, MONDO:0011076, OMIM 601419.

Submission:

MGZ Medical Genetics Center
Classification: Uncertain significance for Desmin-related myofibrillar myopathy. Last evaluated: 2021-12-06. Review status: criteria provided, single submitter. Criteria: ACMG Guidelines, 2015. Collection method: clinical testing. Allele origin: germline. Affected: yes. Observed: 1 variant allele.
Comment: ACMG criteria applied: PM2_SUP, PP3